The following is an entry in ClinVar:

ClinVar aggregate classification (germline): Uncertain significance. Review status: criteria provided, multiple submitters, no conflicts (2 of 4 stars). 3 submissions from 3 submitters: Uncertain significance (3). Last evaluated 2022-05-05.

Conditions:
Inborn genetic diseases. Identifiers: MedGen C0950123, MeSH D030342.

Allele frequency attached by ClinVar (database versions not stated): gnomAD 0.00001; gnomAD exomes 0.00008; ExAC 0.00013; 1000 Genomes Project 0.00040; 1000 Genomes Project 30x 0.00062.
gnomAD v4.1: 114 of 1,613,744 alleles (0.0071%); highest among the groups gnomAD compares: South Asian, 0.1%; 2 homozygotes.

Submissions (3):

Labcorp Genetics (formerly Invitae), Labcorp
Classification: Uncertain significance. Last evaluated: 2022-05-05. Review status: criteria provided, single submitter. Criteria: Invitae Variant Classification Sherloc (09022015). Collection method: clinical testing. Allele origin: germline.
Comment: This sequence change replaces phenylalanine, which is neutral and non-polar, with leucine, which is neutral and non-polar, at codon 2507 of the DNAH9 protein (p.Phe2507Leu). This variant is present in population databases (rs568857909, gnomAD 0.08%). This variant has not been reported in the literature in individuals affected with DNAH9-related conditions. Algorithms developed to predict the effect of missense changes on protein structure and function are either unavailable or do not agree on the potential impact of this missense change (SIFT: "Deleterious"; PolyPhen-2: "Benign"; Align-GVGD: "Class C0"). In summary, the available evidence is currently insufficient to determine the role of this variant in disease. Therefore, it has been classified as a Variant of Uncertain Significance.

Ambry Genetics
Classification: Uncertain significance for Inborn genetic diseases. Last evaluated: 2022-03-23. Review status: criteria provided, single submitter. Criteria: Ambry Variant Classification Scheme 2023. Collection method: clinical testing. Allele origin: germline.

Breakthrough Genomics
Classification: Uncertain significance. Review status: criteria provided, single submitter. Criteria: ACMG Guidelines, 2015. Collection method: not provided. Allele origin: germline. Inheritance: Autosomal recessive inheritance. Affected: yes.

NM_001372.4(DNAH9):c.7521C>G (p.Phe2507Leu)

Gene: DNAH9 (dynein axonemal heavy chain 9; plus strand). Cytogenetic location: 17p12.
Variant type: single nucleotide variant.
Coding change: c.7521C>G on transcript NM_001372.4 (MANE Select); coding-DNA position 7521, C replaced by G.
Protein change: p.Phe2507Leu; replaces phenylalanine 2507 with leucine.
Molecular consequence: missense variant.
Genome position (GRCh38, 1-based): chr17:11,769,298, C>G. VCF-style: chr17-11769298-C-G. GRCh37 (hg19) VCF-style: chr17-11672615-C-G.
Other names: short protein forms F2507L.
Identifiers: ClinVar variation 1903858 (VCV001903858.4), dbSNP rs568857909, ClinGen allele CA8396640.